The following is an entry in ClinVar:

NM_000350.3(ABCA4):c.5197-554A>T

Gene: ABCA4 (ATP binding cassette subfamily A member 4; minus strand). Cytogenetic location: 1p22.1.
Variant type: single nucleotide variant.
Coding change: c.5197-554A>T on transcript NM_000350.3 (MANE Select); 554 bases into the intron before coding-DNA position 5197, A replaced by T.
Molecular consequence: intron variant.
Genome position (GRCh38, 1-based): chr1:94,016,408, T>A on the plus strand (A>T on the coding strand, the complement: ABCA4 is on the minus strand). VCF-style: chr1-94016408-T-A. GRCh37 (hg19) VCF-style: chr1-94481964-T-A.
Other names: c.4975-554A>T (NM_001425324.1).
Identifiers: ClinVar variation 4988937 (VCV004988937.1).
Genomic context (GRCh38, chr1:94,016,408, plus strand): 5'-CGGGCTTCCTCAGGGGGCAACCTGCCGTGGGGTGTGGAGGCCTCAACGGGATGAGAAAGA[T>A]ATCCTTACAGGAGGCTGATCTGGTGCAGGGTATCAGAGCCAGAGCAGAACGAGGAGGACC-3'

ClinVar aggregate classification (germline): Likely benign (1 of 4 stars; one submission).

Conditions:
ABCA4-related disorder. Also called: ABCA4-related disorders; ABCA4-related condition. Identifiers: MedGen CN239167.

Submission:

PreventionGenetics, part of Exact Sciences
Classification: Likely benign for ABCA4-related condition. Last evaluated: 2025-07-29. Review status: criteria provided, single submitter. Criteria: ACMG Guidelines, 2015. Collection method: clinical testing. Allele origin: germline.
Comment: This variant is classified as likely benign based on ACMG/AMP sequence variant interpretation guidelines (Richards et al. 2015 PMID: 25741868, with internal and published modifications).